The following is an entry in ClinVar:

ClinVar aggregate classification (germline): Pathogenic (1 of 4 stars; one submission).

Submission:

Labcorp Genetics (formerly Invitae), Labcorp
Classification: Pathogenic. Last evaluated: 2023-07-10. Review status: criteria provided, single submitter. Criteria: Invitae Variant Classification Sherloc (09022015). Collection method: clinical testing. Allele origin: germline.
Comment: For these reasons, this variant has been classified as Pathogenic. This variant results in an extension of the STAR protein. Other variant(s) that result in a similarly extended protein product (p.Leu271Cysfs*50) have been determined to be pathogenic (Invitae). This suggests that these extensions are likely to be disease-causing. This sequence change results in a frameshift in the STAR gene (p.Gln262Argfs*59). While this is not anticipated to result in nonsense mediated decay, it is expected to disrupt the last 24 amino acid(s) of the STAR protein and extend the protein by 34 additional amino acid residues. This variant is not present in population databases (gnomAD no frequency). This variant has not been reported in the literature in individuals affected with STAR-related conditions. ClinVar contains an entry for this variant (Variation ID: 1071071).

NM_000349.3(STAR):c.784del (p.Gln262fs)

Gene: STAR (steroidogenic acute regulatory protein; minus strand). Cytogenetic location: 8p11.23.
Variant type: Deletion.
Coding change: c.784del on transcript NM_000349.3 (MANE Select); coding-DNA position 784, one base deleted (C; older notation c.784delC).
Protein change: p.Gln262fs; shifts the reading frame from glutamine 262.
Molecular consequence: frameshift variant.
Genome position (GRCh38, 1-based): chr8:38,144,347, G deleted on the plus strand (C on the coding strand, the reverse complement: STAR is on the minus strand); the first of 3 consecutive G bases (chr8:38,144,347-38,144,349); deleting any one gives the same sequence. VCF-style (leftmost placement, unchanged base first): chr8-38144346-TG-T. GRCh37 (hg19) VCF-style: chr8-38001864-TG-T.
Other names: short protein forms Q262fs.
Identifiers: ClinVar variation 1071071 (VCV001071071.5), dbSNP rs2130611178, ClinGen allele CA2499219279.